The following is an entry in ClinVar:

NM_006734.4(HIVEP2):c.5666C>A (p.Ser1889Tyr)

Gene: HIVEP2 (HIVEP zinc finger 2; minus strand). Cytogenetic location: 6q24.2.
Variant type: single nucleotide variant.
Coding change: c.5666C>A on transcript NM_006734.4 (MANE Select); coding-DNA position 5666, C replaced by A.
Protein change: p.Ser1889Tyr; replaces serine 1889 with tyrosine.
Molecular consequence: missense variant.
Genome position (GRCh38, 1-based): chr6:142,760,622, G>T on the plus strand (C>A on the coding strand, the complement: HIVEP2 is on the minus strand). VCF-style: chr6-142760622-G-T. GRCh37 (hg19) VCF-style: chr6-143081759-G-T.
Other names: short protein forms S1889Y.
Identifiers: ClinVar variation 3766197 (VCV003766197.1).
Genomic context (GRCh38, chr6:142,760,622, plus strand): 5'-TCTCCATCCTCACCATCTGATTCCTCAGCATCGGAGAACTGATGATCAGTTGAAATGCTG[G>T]ACATGCTATGCTTCTCTGCTGCTTTGTGCAAATCTTCCAAATTTTCTGAAACAATTAAAC-3'
Protein context (NP_006725.3, residues 1879-1899): LHKAAEKHSM[Ser1889Tyr]SISTDHQFSD

ClinVar aggregate classification (germline): Uncertain significance (1 of 4 stars; one submission).

Submission:

GeneDx
Classification: Uncertain significance. Last evaluated: 2024-08-29. Review status: criteria provided, single submitter. Criteria: GeneDx Variant Classification Process June 2021. Collection method: clinical testing. Allele origin: germline. Affected: yes.
Comment: Not observed at significant frequency in large population cohorts (gnomAD); In silico analysis supports that this missense variant has a deleterious effect on protein structure/function; Has not been previously published as pathogenic or benign to our knowledge